The following is an entry in ClinVar:

NM_000038.6(APC):c.1958+1G>A

Gene: APC (APC regulator of Wnt signaling pathway; plus strand). Cytogenetic location: 5q22.2.
Variant type: single nucleotide variant.
Coding change: c.1958+1G>A on transcript NM_000038.6 (MANE Select); the canonical splice donor site of the intron after coding-DNA position 1958, G replaced by A.
Molecular consequence: splice donor variant.
Genome position (GRCh38, 1-based): chr5:112,835,166, G>A. VCF-style: chr5-112835166-G-A. GRCh37 (hg19) VCF-style: chr5-112170863-G-A.
Other names: c.1109+1G>A (NM_001407470.1, NM_001354906.2); c.806+1G>A (NM_001407472.1, NM_001407471.1); c.2012+1G>A (NM_001407447.1, NM_001407448.1, NM_001407449.1 and 1 more transcripts); c.1958+1G>A (NM_001354895.2, NM_001407450.1, NM_001127510.3); c.1709+1G>A (NM_001407456.1, NM_001407457.1, NM_001407455.1 and 1 more transcripts); c.1655+1G>A (NM_001407460.1, NM_001407458.1, NM_001407459.1 and 1 more transcripts); c.1928+1G>A (NM_001407452.1); c.1571+1G>A (NM_001407469.1, NM_001407467.1); and 11 more.
Identifiers: ClinVar variation 428125 (VCV000428125.25), dbSNP rs1114167569, ClinGen allele CA360623916.

ClinVar aggregate classification (germline): Pathogenic. Review status: criteria provided, multiple submitters, no conflicts (2 of 4 stars). 6 submissions from 6 submitters: Pathogenic (5). 1 of the submissions does not count toward it. Last evaluated 2024-12-26.

Conditions:
Hereditary cancer-predisposing syndrome. Also called: Hereditary neoplastic syndrome; Hereditary Cancer Syndrome; Tumor predisposition; Neoplastic Syndromes, Hereditary. Identifiers: Orphanet 140162, MedGen C0027672, MeSH D009386, MONDO:0015356.
Familial adenomatous polyposis 1 (FAP1). Also called: FAMILIAL ADENOMATOUS POLYPOSIS 1, ATTENUATED; POLYPOSIS, ADENOMATOUS INTESTINAL. Identifiers: MedGen C2713442, MONDO:0021056, OMIM 175100. Disease mechanism: loss of function.
Carcinoma of colon (CRC). Also called: Colon carcinoma; Colonic carcinoma. Identifiers: MedGen C0699790, MONDO:0002032.

Submissions (9):

Ambry Genetics
Classification: Pathogenic for Hereditary cancer-predisposing syndrome. Last evaluated: 2024-12-26. Review status: criteria provided, single submitter. Criteria: Ambry Variant Classification Scheme 2023. Collection method: clinical testing. Allele origin: germline.
Comment: The c.1958+1G>A intronic pathogenic mutation results from a G to A substitution one nucleotide after coding exon 14 of the APC gene. This alteration has been identified in multiple individuals with familial adenomatous polyposis (FAP) (Friedl W et al. Gut. 2001 Apr;48:515-21; Kim DW et al. Hum. Mutat. 2005 Sep;26:281; Gavert N et al. Hum. Mutat. 2002 Jun;19:664; Lagarde A et al. J. Med. Genet. 2010 Oct;47:721-2). Transcript analysis has also shown that this alteration leads to the skipping of coding exon 14 (Ambry internal data; Aretz S et al. Hum. Mutat. 2004 Nov;24:370-80). Of note, this mutation is also designated IVS14+1G>A in published literature. In addition to the clinical data presented in the literature, alterations that disrupt the canonical splice site are expected to cause aberrant splicing, resulting in an abnormal protein or a transcript that is subject to nonsense-mediated mRNA decay. As such, this alteration is classified as a disease-causing mutation.

Labcorp Genetics (formerly Invitae), Labcorp
Classification: Pathogenic for Familial adenomatous polyposis 1. Last evaluated: 2024-03-04. Review status: criteria provided, single submitter. Criteria: Invitae Variant Classification Sherloc (09022015). Collection method: clinical testing. Allele origin: germline.
Comment: This sequence change affects a donor splice site in intron 15 of the APC gene. RNA analysis indicates that disruption of this splice site induces altered splicing and likely disrupts the C-terminus of the protein. This variant is not present in population databases (gnomAD no frequency). Disruption of this splice site has been observed in individuals with familial adenomatous polyposis (PMID: 12007223, 15459959, 16088911, 20223039, 20685668). ClinVar contains an entry for this variant (Variation ID: 428125). Variants that disrupt the consensus splice site are a relatively common cause of aberrant splicing (PMID: 17576681, 9536098). Studies have shown that disruption of this splice site results in skipping of exon 15 (also known as exon 14) and introduces a new termination codon (PMID: 15459959). However the mRNA is not expected to undergo nonsense-mediated decay. For these reasons, this variant has been classified as Pathogenic.

KCCC/NGS Laboratory, Kuwait Cancer Control Center
Classification: Pathogenic for Familial adenomatous polyposis 1. Last evaluated: 2023-05-31. Review status: criteria provided, single submitter. Criteria: ACMG Guidelines, 2015. Collection method: clinical testing. Allele origin: germline. Inheritance: Autosomal dominant inheritance. Affected: yes. Observed: 1 heterozygote.
Comment: A known pathogenic variant is detected in the APC gene (c.1958+1G>A). This sequence change affects a donor splice site in intron 15 of the APC gene. RNA analysis indicates that disruption of this splice site induces altered splicing and likely disrupts the C-terminus of the protein. This variant is not present in population databases (ExAC no frequency). Disruption of this splice site has been observed in individuals with familial adenomatous polyposis (PMID: 12007223, 15459959, 16088911, 20223039, 20685668). ClinVar contains an entry for this variant (Variation ID: 428125). Variants that disrupt the consensus splice site are a relatively of aberrant splicing (PMID: 17576681, 9536098). Studies have shown that disruption of this splice site results in skipping of exon 15 (also known as 14) and introduces a new termination codon (PMID: 15459959). However the mRNA is not expected to undergo nonsense-mediated decay. For these reasons, this variant has been classified as Pathogenic. Pathogenic/likely pathogenic mutations in the APC gene are known to cause familial adenomatous polyposis,

Myriad Genetics, Inc.
Classification: Pathogenic for Familial adenomatous polyposis 1. Last evaluated: 2023-05-03. Review status: criteria provided, single submitter. Criteria: Myriad Autosomal Dominant, Autosomal Recessive and X-Linked Classification Criteria (2023). Collection method: clinical testing. Allele origin: unknown.
Comment: This variant is considered pathogenic. This variant occurs within a consensus splice junction and is predicted to result in abnormal mRNA splicing of either an out-of-frame exon or an in-frame exon necessary for protein stability and/or normal function. mRNA analysis has demonstrated abnormal mRNA splicing occurs [PMID: 15459959].

GeneDx
Classification: Pathogenic. Last evaluated: 2021-05-03. Review status: criteria provided, single submitter. Criteria: GeneDx Variant Classification Process June 2021. Collection method: clinical testing. Allele origin: germline. Affected: yes.
Comment: Canonical splice site variant in a gene for which loss-of-function is a known mechanism of disease (Aretz 2004, Yedid 2016); Not observed in large population cohorts (Lek et al., 2016); Also known as IVS14+1G>A; This variant is associated with the following publications: (PMID: 28010732, 20223039, 12007223, 16088911, 11247896, 15459959, 20685668)

Department of Pathology and Laboratory Medicine, Sinai Health System
Classification: Pathogenic for Carcinoma of colon. Review status: no assertion criteria provided. Collection method: clinical testing. Allele origin: unknown. Affected: yes. Observed: 1 variant allele. Study: The Canadian Open Genetics Repository (COGR). Not counted in ClinVar's aggregate classification.
Comment: The APC c.1958+1G>A variant was identified in 4 of 4474 proband chromosomes (frequency: 0.001) from individuals or families with Familial Adenomatous Polyposis (Aretz 2004, Friedl 2005, Gavert 2002, Kim 2005). The variant was also identified in UMD (3x with a â€šÃ„Ãºcausalâ€šÃ„Ã¹ classification) and InSiGHT Colon Cancer Gene Variant Database (5x as Pathogenic). The variant was not identified in dbSNP, Clinvitae database, COSMIC, Zhejiang Colon Cancer Database (LOVD), ClinVar database, GeneInsight - COGR database, NHLBI GO Exome Sequencing Project and Exome Aggregation Consortium database (August 8, 2016). The c.1958+1G>A variant is predicted to cause abnormal splicing because the nucleotide substitution occurs in the invariant region of the splice consensus sequence. In addition, 5 of 5 in silico or computational prediction software programs (SpliceSiteFinder, MaxEntScan, NNSPLICE, GeneSplicer, HumanSpliceFinder) predict a greater than 10% difference in splicing. Furthermore, several studies confirm by RT-PCR that this variant lead to aberrant splicing causing a loss of exon 14 (protein change r. 1744_1958del, Aretz 2004, Gavert 2002, Kim 2005). In summary, based on the above information, this variant meets our laboratoryâ€šÃ„Ã´s criteria to be classified as pathogenic.

Dr. Peter K. Rogan Lab, Western University
No classification provided (evidence only). Condition: Colon adenocarcinoma. Review status: no classification provided. Collection method: in vitro. Allele origin: not applicable. Functional consequence: retained intron. Not counted in ClinVar's aggregate classification.

Dr. Peter K. Rogan Lab, Western University
No classification provided (evidence only). Condition: Colon adenocarcinoma. Review status: no classification provided. Collection method: in vitro. Allele origin: not applicable. Functional consequence: skipped exon. Not counted in ClinVar's aggregate classification.

Dr. Peter K. Rogan Lab, Western University
No classification provided (evidence only). Condition: Colon adenocarcinoma. Review status: no classification provided. Collection method: in vitro. Allele origin: not applicable. Functional consequence: skipped exon. Not counted in ClinVar's aggregate classification.

Literature cited by the submitters: PubMed 11247896 (cited by Ambry Genetics); PubMed 12007223 (cited by Ambry Genetics and Labcorp Genetics (formerly Invitae), Labcorp); PubMed 15459959 (cited by 3 submitters); PubMed 16088911 (cited by Ambry Genetics and Labcorp Genetics (formerly Invitae), Labcorp); PubMed 20685668 (cited by Ambry Genetics and Labcorp Genetics (formerly Invitae), Labcorp); PubMed 20223039 (cited by Labcorp Genetics (formerly Invitae), Labcorp); PubMed 17576681 (cited by Labcorp Genetics (formerly Invitae), Labcorp); PubMed 9536098 (cited by Labcorp Genetics (formerly Invitae), Labcorp).